The following is an entry in ClinVar:

ClinVar aggregate classification (germline): Uncertain significance. Review status: criteria provided, multiple submitters, no conflicts (2 of 4 stars). 3 submissions from 3 submitters: Uncertain significance (3). Last evaluated 2026-01-01.

Conditions:
Episodic kinesigenic dyskinesia (EKD). Also called: Paroxysmal kinesigenic dyskinesia. Identifiers: Orphanet 98809, MedGen C1868682, MONDO:0044202.

Allele frequency attached by ClinVar (database versions not stated): gnomAD exomes 0.00001; TOPMed 0.00005.
gnomAD v4.1: 19 of 1,610,784 alleles (0.0012%); highest among the groups gnomAD compares: Admixed American, 0.005%; no homozygotes.

Submissions (3):

CeGaT Center for Human Genetics Tuebingen
Classification: Uncertain significance. Last evaluated: 2026-01-01. Review status: criteria provided, single submitter. Criteria: CeGaT Center For Human Genetics Tuebingen Variant Classification Criteria Version 2. Collection method: clinical testing. Allele origin: germline. Affected: yes. Observed: 1 variant allele.

Labcorp Genetics (formerly Invitae), Labcorp
Classification: Uncertain significance for Episodic kinesigenic dyskinesia. Last evaluated: 2025-03-29. Review status: criteria provided, single submitter. Criteria: Invitae Variant Classification Sherloc (09022015). Collection method: clinical testing. Allele origin: germline.
Comment: This sequence change replaces arginine, which is basic and polar, with glutamine, which is neutral and polar, at codon 311 of the PRRT2 protein (p.Arg311Gln). This variant is not present in population databases (gnomAD no frequency). This variant has not been reported in the literature in individuals affected with PRRT2-related conditions. ClinVar contains an entry for this variant (Variation ID: 1059428). Invitae Evidence Modeling of protein sequence and biophysical properties (such as structural, functional, and spatial information, amino acid conservation, physicochemical variation, residue mobility, and thermodynamic stability) has been performed for this missense variant. However, the output from this modeling did not meet the statistical confidence thresholds required to predict the impact of this variant on PRRT2 protein function. This variant disrupts the p.Arg311 amino acid residue in PRRT2. Other variant(s) that disrupt this residue have been determined to be pathogenic (internal data). This suggests that this residue is clinically significant, and that variants that disrupt this residue are likely to be disease-causing. In summary, the available evidence is currently insufficient to determine the role of this variant in disease. Therefore, it has been classified as a Variant of Uncertain Significance.

GeneDx
Classification: Uncertain significance. Last evaluated: 2023-01-08. Review status: criteria provided, single submitter. Criteria: GeneDx Variant Classification Process June 2021. Collection method: clinical testing. Allele origin: germline. Affected: yes.
Comment: Not observed at significant frequency in large population cohorts (gnomAD); In silico analysis supports that this missense variant has a deleterious effect on protein structure/function; Has not been previously published as pathogenic or benign to our knowledge; This variant is associated with the following publications: (PMID: 24594579)

NM_145239.3(PRRT2):c.932G>A (p.Arg311Gln)

Genes: MVP-DT (MVP divergent transcript; minus strand), PRRT2 (proline rich transmembrane protein 2; plus strand). Cytogenetic location: 16p11.2.
Variant type: single nucleotide variant.
Coding change: c.932G>A on transcript NM_145239.3 (MANE Select); coding-DNA position 932, G replaced by A.
Protein change: p.Arg311Gln; replaces arginine 311 with glutamine.
Molecular consequence: missense variant. On other transcripts: 3 prime UTR variant (1).
Genome position (GRCh38, 1-based): chr16:29,814,385, G>A. VCF-style: chr16-29814385-G-A. GRCh37 (hg19) VCF-style: chr16-29825706-G-A.
Other names: c.932G>A, p.Arg311Gln (NM_001256442.2); c.*431G>A (NM_001256443.2); c.932G>A (NM_145239.2); short protein forms R311Q.
Identifiers: ClinVar variation 1059428 (VCV001059428.13), dbSNP rs866838115, ClinGen allele CA280410950.